The following is an entry in ClinVar:

NM_022095.4(ZNF335):c.1160A>C (p.Gln387Pro)

Gene: ZNF335 (zinc finger protein 335; minus strand). Cytogenetic location: 20q13.12.
Variant type: single nucleotide variant.
Coding change: c.1160A>C on transcript NM_022095.4 (MANE Select); coding-DNA position 1160, A replaced by C.
Protein change: p.Gln387Pro; replaces glutamine 387 with proline.
Molecular consequence: missense variant.
Genome position (GRCh38, 1-based): chr20:45,963,933, T>G on the plus strand (A>C on the coding strand, the complement: ZNF335 is on the minus strand). VCF-style: chr20-45963933-T-G. GRCh37 (hg19) VCF-style: chr20-44592572-T-G.
Other names: short protein forms Q387P.
Identifiers: ClinVar variation 3651649 (VCV003651649.2).

ClinVar aggregate classification (germline): Uncertain significance (1 of 4 stars; one submission).

Submission:

Labcorp Genetics (formerly Invitae), Labcorp
Classification: Uncertain significance. Last evaluated: 2024-04-30. Review status: criteria provided, single submitter. Criteria: Invitae Variant Classification Sherloc (09022015). Collection method: clinical testing. Allele origin: germline.
Comment: This sequence change replaces glutamine, which is neutral and polar, with proline, which is neutral and non-polar, at codon 387 of the ZNF335 protein (p.Gln387Pro). This variant is not present in population databases (gnomAD no frequency). This variant has not been reported in the literature in individuals affected with ZNF335-related conditions. Advanced modeling of protein sequence and biophysical properties (such as structural, functional, and spatial information, amino acid conservation, physicochemical variation, residue mobility, and thermodynamic stability) performed at Invitae indicates that this missense variant is not expected to disrupt ZNF335 protein function with a negative predictive value of 80%. In summary, the available evidence is currently insufficient to determine the role of this variant in disease. Therefore, it has been classified as a Variant of Uncertain Significance.